The following is an entry in ClinVar:

NM_022367.4(SEMA4A):c.1290C>A (p.Ser430Arg)

Gene: SEMA4A (semaphorin 4A; plus strand). Cytogenetic location: 1q22.
Variant type: single nucleotide variant.
Coding change: c.1290C>A on transcript NM_022367.4 (MANE Select); coding-DNA position 1290, C replaced by A.
Protein change: p.Ser430Arg; replaces serine 430 with arginine.
Molecular consequence: missense variant.
Genome position (GRCh38, 1-based): chr1:156,172,981, C>A. VCF-style: chr1-156172981-C-A. GRCh37 (hg19) VCF-style: chr1-156142772-C-A.
Other names: c.1290C>A, p.Ser430Arg (NM_001193300.2, NM_001193301.2, NM_001370567.1); c.894C>A, p.Ser298Arg (NM_001193302.2); c.993C>A, p.Ser331Arg (NM_001370568.1); c.783C>A, p.Ser261Arg (NM_001370569.1, NM_001370571.1); short protein forms S331R, S261R, S298R, S430R.
Identifiers: ClinVar variation 1376614 (VCV001376614.6), dbSNP rs2103001857, ClinGen allele CA342807735.
Genomic context (GRCh38, chr1:156,172,981, plus strand): 5'-ATCTGGCGTGGAGTATACACGGCTTGCAGTGGAGACAGCCCAGGGCCTTGATGGGCACAG[C>A]CATCTTGTCATGTACCTGGGAACCAGTGAGTAAAGAGTTCCGGGACATCCCCCAGAGGAC-3'
Protein context (NP_071762.2, residues 420-440): VETAQGLDGH[Ser430Arg]HLVMYLGTTT

ClinVar aggregate classification (germline): Uncertain significance (1 of 4 stars; one submission).

Submission:

Labcorp Genetics (formerly Invitae), Labcorp
Classification: Uncertain significance. Last evaluated: 2021-08-20. Review status: criteria provided, single submitter. Criteria: Invitae Variant Classification Sherloc (09022015). Collection method: clinical testing. Allele origin: germline.
Comment: This sequence change replaces serine with arginine at codon 430 of the SEMA4A protein (p.Ser430Arg). The serine residue is moderately conserved and there is a moderate physicochemical difference between serine and arginine. In summary, the available evidence is currently insufficient to determine the role of this variant in disease. Therefore, it has been classified as a Variant of Uncertain Significance. Algorithms developed to predict the effect of missense changes on protein structure and function output the following: SIFT: "Tolerated"; PolyPhen-2: "Benign"; Align-GVGD: "Class C0". The arginine amino acid residue is found in multiple mammalian species, which suggests that this missense change does not adversely affect protein function. This variant has not been reported in the literature in individuals affected with SEMA4A-related conditions. This variant is not present in population databases (ExAC no frequency).